The following is an entry in ClinVar:

ClinVar aggregate classification (germline): Uncertain significance (1 of 4 stars; one submission).

Conditions:
Hypertrophic cardiomyopathy 25 (CMH25). Also called: CARDIOMYOPATHY, FAMILIAL HYPERTROPHIC, 25. Identifiers: MedGen C4225408, MONDO:0011843, OMIM 607487.
Primary familial hypertrophic cardiomyopathy (HCM). Identifiers: Orphanet 99739, MedGen C0949658, MeSH D024741, MONDO:0024573. Inheritance: Various modes of inheritance.

Allele frequency attached by ClinVar (database versions not stated): TOPMed below 0.00001.

Submission:

Labcorp Genetics (formerly Invitae), Labcorp
Classification: Uncertain significance for Hypertrophic cardiomyopathy 25; Primary familial hypertrophic cardiomyopathy. Last evaluated: 2022-10-13. Review status: criteria provided, single submitter. Criteria: Invitae Variant Classification Sherloc (09022015). Collection method: clinical testing. Allele origin: germline.
Comment: This sequence change replaces proline, which is neutral and non-polar, with serine, which is neutral and polar, at codon 96 of the TCAP protein (p.Pro96Ser). This variant is not present in population databases (gnomAD no frequency). This variant has not been reported in the literature in individuals affected with TCAP-related conditions. ClinVar contains an entry for this variant (Variation ID: 646556). Algorithms developed to predict the effect of missense changes on protein structure and function (SIFT, PolyPhen-2, Align-GVGD) all suggest that this variant is likely to be disruptive. In summary, the available evidence is currently insufficient to determine the role of this variant in disease. Therefore, it has been classified as a Variant of Uncertain Significance.

NM_003673.4(TCAP):c.286C>T (p.Pro96Ser)

Gene: TCAP (titin-cap; plus strand). Cytogenetic location: 17q12.
Variant type: single nucleotide variant.
Coding change: c.286C>T on transcript NM_003673.4 (MANE Select); coding-DNA position 286, C replaced by T.
Protein change: p.Pro96Ser; replaces proline 96 with serine.
Molecular consequence: missense variant.
Genome position (GRCh38, 1-based): chr17:39,665,891, C>T. VCF-style: chr17-39665891-C-T. GRCh37 (hg19) VCF-style: chr17-37822144-C-T.
Other names: short protein forms P96S.
Identifiers: ClinVar variation 646556 (VCV000646556.11), dbSNP rs1597805580, ClinGen allele CA399304853.